The following is an entry in ClinVar:

ClinVar aggregate classification (germline): Uncertain significance (1 of 4 stars; one submission).

Submission:

Labcorp Genetics (formerly Invitae), Labcorp
Classification: Uncertain significance. Last evaluated: 2025-09-28. Review status: criteria provided, single submitter. Criteria: Invitae Variant Classification Sherloc (09022015). Collection method: clinical testing. Allele origin: germline.
Comment: This sequence change replaces aspartic acid, which is acidic and polar, with tyrosine, which is neutral and polar, at codon 115 of the RASA2 protein (p.Asp115Tyr). This variant is not present in population databases (gnomAD no frequency). This variant has not been reported in the literature in individuals affected with RASA2-related conditions. Invitae Evidence Modeling of protein sequence and biophysical properties (such as structural, functional, and spatial information, amino acid conservation, physicochemical variation, residue mobility, and thermodynamic stability) indicates that this missense variant is expected to disrupt RASA2 protein function with a positive predictive value of 80%. In summary, the available evidence is currently insufficient to determine the role of this variant in disease. Therefore, it has been classified as a Variant of Uncertain Significance.

NM_006506.5(RASA2):c.343G>T (p.Asp115Tyr)

Gene: RASA2 (RAS p21 protein activator 2; plus strand). Cytogenetic location: 3q23.
Variant type: single nucleotide variant.
Coding change: c.343G>T on transcript NM_006506.5 (MANE Select); coding-DNA position 343, G replaced by T.
Protein change: p.Asp115Tyr; replaces aspartic acid 115 with tyrosine.
Molecular consequence: missense variant.
Genome position (GRCh38, 1-based): chr3:141,516,419, G>T. VCF-style: chr3-141516419-G-T. GRCh37 (hg19) VCF-style: chr3-141235261-G-T.
Other names: c.343G>T, p.Asp115Tyr (NM_001303245.3, NM_001303246.3); short protein forms D115Y.
Identifiers: ClinVar variation 4776753 (VCV004776753.1).